The following is an entry in ClinVar:

ClinVar aggregate classification (germline): Pathogenic/Likely pathogenic. Review status: criteria provided, multiple submitters, no conflicts (2 of 4 stars). 5 submissions from 5 submitters: Pathogenic (3); Likely pathogenic (2). Last evaluated 2024-05-01.

Conditions:
Hyperlipoproteinemia, type I. Also called: Hyperlipoproteinemia type 1; Hyperchylomicro-nemia familial; Familial chylomicronemia; Hyperlipemia idiopathic Burger-Grutz type; Familial hyperlipo-proteinemia type 1; Hyperlipemia essential familial. Identifiers: Orphanet 309015, Orphanet 444490, MedGen C0023817, MONDO:0009387, OMIM 238600. Disease mechanism: loss of function.
Hyperlipidemia, familial combined, LPL related (FCHL3). Also called: Hyperapobetalipoproteinemia. Identifiers: MedGen C0020474, MONDO:0007759, OMIM 144250, HP:0008158.

Allele frequency attached by ClinVar (database versions not stated): gnomAD 0.00002; TOPMed 0.00001.
gnomAD v4.1: 14 of 1,613,550 alleles (0.00087%); highest among the groups gnomAD compares: African/African-American, 0.004%; no homozygotes.

Submissions (5):

Labcorp Genetics (formerly Invitae), Labcorp
Classification: Likely pathogenic. Last evaluated: 2024-05-01. Review status: criteria provided, single submitter. Criteria: Invitae Variant Classification Sherloc (09022015). Collection method: clinical testing. Allele origin: germline.
Comment: This sequence change replaces aspartic acid, which is acidic and polar, with asparagine, which is neutral and polar, at codon 183 of the LPL protein (p.Asp183Asn). This variant is not present in population databases (gnomAD no frequency). This missense change has been observed in individual(s) with chylomicronemia (PMID: 1730727). In at least one individual the data is consistent with being in trans (on the opposite chromosome) from a pathogenic variant. This variant is also known as Asp156Asn. ClinVar contains an entry for this variant (Variation ID: 1066635). Advanced modeling of protein sequence and biophysical properties (such as structural, functional, and spatial information, amino acid conservation, physicochemical variation, residue mobility, and thermodynamic stability) performed at Invitae indicates that this missense variant is expected to disrupt LPL protein function with a positive predictive value of 80%. Experimental studies have shown that this missense change affects LPL function (PMID: 1730727). In summary, the currently available evidence indicates that the variant is pathogenic, but additional data are needed to prove that conclusively. Therefore, this variant has been classified as Likely Pathogenic.

Natera, Inc.
Classification: Pathogenic for Lipoprotein lipase deficiency. Last evaluated: 2024-04-19. Review status: criteria provided, single submitter. Criteria: Natera Variant Classification Schema (03/2026). Collection method: clinical testing. Allele origin: germline.
Comment: The c.547G>A variant in LPL is a missense variant predicted to cause substitution of aspartic acid to asparagine at amino acid 183. This variant is rare in the general population with a frequency below the threshold expected for the associated phenotype(s). This variant has been observed in one or more individuals affected with the associated recessive disease, as either homozygous or compound heterozygous with a second variant (PMID: 1730727, 36689289). Functional studies show that this variant may disrupt protein function (PMID: 9811888, 11751882, 1371284, 15013626, 35309119). A different variant at the same position has been determined to be Pathogenic or Likely Pathogenic. Computational prediction algorithms indicate this variant is likely to affect gene or protein function. Given the available evidence, this variant is classified as Pathogenic.

Mendelics
Classification: Pathogenic for Hyperlipidemia, familial combined, LPL related. Last evaluated: 2022-05-04. Review status: criteria provided, single submitter. Criteria: Mendelics Assertion Criteria 2019. Collection method: clinical testing. Allele origin: germline.

Women's Health and Genetics/Laboratory Corporation of America, LabCorp
Classification: Likely pathogenic for Hyperlipoproteinemia, type I. Last evaluated: 2021-09-15. Review status: criteria provided, single submitter. Criteria: LabCorp Variant Classification Summary - May 2015. Collection method: clinical testing. Allele origin: germline.
Comment: Variant summary: LPL c.547G>A (p.Asp183Asn) results in a conservative amino acid change located in the Lipase/vitellogenin domain (IPR013818) of the encoded protein sequence. Four of five in-silico tools predict a damaging effect of the variant on protein function. The variant allele was found at a frequency of 2e-05 in 150872 control chromosomes (gnomAD v3.1, genomes dataset). The variant c.547G>A (aka. c.721G>A (p.Asp156Asn)) has been reported in the literature in a family in two compound heterozygous individuals who were affected with Familial Lipoprotein Lipase Deficiency (Ma_1992). These data indicate that the variant may be associated with disease. Publications also reported experimental evidence evaluating an impact on protein function, and demonstrated the complete loss of enzyme activity (Ma_1992, Emmerich_1992, Merkel_1998). One clinical diagnostic laboratory has submitted clinical-significance assessments for this variant to ClinVar after 2014, and classified the variant as likely pathogenic. Based on the evidence outlined above, the variant was classified as likely pathogenic.

GeneDx
Classification: Pathogenic. Last evaluated: 2021-03-24. Review status: criteria provided, single submitter. Criteria: GeneDx Variant Classification Process June 2021. Collection method: clinical testing. Allele origin: germline. Affected: yes.
Comment: Not observed in large population cohorts (Lek et al., 2016); Published functional studies demonstrate a damaging effect on catalytic activity (Ma et al., 1992); In silico analysis supports that this missense variant has a deleterious effect on protein structure/function; This variant is associated with the following publications: (PMID: 1730727, 1371284, 9811888, 11229871, 27055971, 15013626)

Literature cited by the submitters: PubMed 1730727 (cited by 3 submitters); PubMed 36689289 (cited by Natera, Inc.); PubMed 9811888 (cited by Natera, Inc. and Women's Health and Genetics/Laboratory Corporation of America, LabCorp); PubMed 11751882 (cited by Natera, Inc.); PubMed 1371284 (cited by Natera, Inc. and Women's Health and Genetics/Laboratory Corporation of America, LabCorp); PubMed 15013626 (cited by Natera, Inc.); PubMed 35309119 (cited by Natera, Inc.); PubMed 27055971 (cited by Women's Health and Genetics/Laboratory Corporation of America, LabCorp).

NM_000237.3(LPL):c.547G>A (p.Asp183Asn)

Gene: LPL (lipoprotein lipase; plus strand). Cytogenetic location: 8p21.3.
Variant type: single nucleotide variant.
Coding change: c.547G>A on transcript NM_000237.3 (MANE Select); coding-DNA position 547, G replaced by A.
Protein change: p.Asp183Asn; replaces aspartic acid 183 with asparagine.
Molecular consequence: missense variant.
Genome position (GRCh38, 1-based): chr8:19,954,125, G>A. VCF-style: chr8-19954125-G-A. GRCh37 (hg19) VCF-style: chr8-19811636-G-A.
Other names: short protein forms D183N.
Identifiers: ClinVar variation 1066635 (VCV001066635.12), dbSNP rs781614031, ClinGen allele CA370468264.